The following is an entry in ClinVar:

ClinVar aggregate classification (germline): Uncertain significance (1 of 4 stars; one submission).

Conditions:
Early-infantile DEE. Also called: Early infantile epileptic encephalopathy with suppression bursts; Early infantile epileptic encephalopathy; Ohtahara syndrome. Identifiers: Orphanet 1934, MedGen C0393706, MONDO:0800491.

Submission:

Labcorp Genetics (formerly Invitae), Labcorp
Classification: Uncertain significance for Early-infantile DEE. Last evaluated: 2025-05-11. Review status: criteria provided, single submitter. Criteria: Invitae Variant Classification Sherloc (09022015). Collection method: clinical testing. Allele origin: germline.
Comment: This sequence change replaces glutamic acid, which is acidic and polar, with lysine, which is basic and polar, at codon 205 of the SCN1A protein (p.Glu205Lys). This variant is not present in population databases (gnomAD no frequency). This variant has not been reported in the literature in individuals affected with SCN1A-related conditions. Invitae Evidence Modeling of protein sequence and biophysical properties (such as structural, functional, and spatial information, amino acid conservation, physicochemical variation, residue mobility, and thermodynamic stability) indicates that this missense variant is expected to disrupt SCN1A protein function with a positive predictive value of 95%. In summary, the available evidence is currently insufficient to determine the role of this variant in disease. Therefore, it has been classified as a Variant of Uncertain Significance.

NM_001165963.4(SCN1A):c.613G>A (p.Glu205Lys)

Gene: SCN1A (sodium voltage-gated channel alpha subunit 1; minus strand). Cytogenetic location: 2q24.3.
Variant type: single nucleotide variant.
Coding change: c.613G>A on transcript NM_001165963.4 (MANE Select); coding-DNA position 613, G replaced by A.
Protein change: p.Glu205Lys; replaces glutamic acid 205 with lysine.
Molecular consequence: missense variant. On other transcripts: 5 prime UTR variant (1), non-coding transcript variant (1).
Genome position (GRCh38, 1-based): chr2:166,052,933, C>T on the plus strand (G>A on the coding strand, the complement: SCN1A is on the minus strand). VCF-style: chr2-166052933-C-T. GRCh37 (hg19) VCF-style: chr2-166909443-C-T.
Other names: c.613G>A, p.Glu205Lys (NM_001165964.3, NM_001202435.3, NM_001353948.2 and 10 more transcripts); c.-1813G>A (NM_001353961.2); short protein forms E205K.
Identifiers: ClinVar variation 4800299 (VCV004800299.1).